The following is an entry in ClinVar:

NM_138459.5(NUS1):c.99dup (p.Asn34fs)

Gene: NUS1 (NUS1 dehydrodolichyl diphosphate synthase subunit; plus strand). Cytogenetic location: 6q22.1.
Variant type: Duplication.
Coding change: c.99dup on transcript NM_138459.5 (MANE Select); coding-DNA position 99, one base duplicated (G; older notation c.99dupG).
Protein change: p.Asn34fs; shifts the reading frame from asparagine 34.
Molecular consequence: frameshift variant.
Genome position (GRCh38, 1-based): chr6:117,675,769, G duplicated; the last of 2 consecutive G bases (chr6:117,675,768-117,675,769); duplicating either gives the same sequence. VCF-style (leftmost placement, unchanged base first): chr6-117675767-T-TG. GRCh37 (hg19) VCF-style: chr6-117996930-T-TG.
Other names: short protein forms N34fs.
Identifiers: ClinVar variation 655306 (VCV000655306.6), dbSNP rs1582461023, ClinGen allele CA915943595.
Genomic context (GRCh38, chr6:117,675,767, plus strand): 5'-CACGCGCTGCTCTGTCTGCACCGCACGCTCACCTCCTGGCTCCGCGTTCGGTTCGGCACC[T>TG]GGAACTGGATCTGGCGGCGCTGCTGCCGCGCCGCCTCTGCCGCGGTCCTAGCGCCGCTCG-3'

ClinVar aggregate classification (germline): Pathogenic (1 of 4 stars; one submission).

Conditions:
Congenital disorder of glycosylation, type Iaa. Also called: Congenital disorder of glycosylation, type 1aa. Identifiers: MedGen C4310727, MONDO:0014904, OMIM 617082.

Submission:

Labcorp Genetics (formerly Invitae), Labcorp
Classification: Pathogenic for Congenital disorder of glycosylation, type Iaa. Last evaluated: 2018-08-04. Review status: criteria provided, single submitter. Criteria: Invitae Variant Classification Sherloc (09022015). Collection method: clinical testing. Allele origin: germline.
Comment: This sequence change creates a premature translational stop signal (p.Asn34Glufs*100) in the NUS1 gene. It is expected to result in an absent or disrupted protein product. While this variant is not present in population databases, the frequency information is unreliable, as metrics indicate poor data quality at this position in the ExAC database. This variant has not been reported in the literature in individuals with NUS1-related disease. Loss-of-function variants in NUS1 are known to be pathogenic (PMID: 29100083). For these reasons, this variant has been classified as Pathogenic.

Literature cited by the submitters: PubMed 29100083.